The following is an entry in ClinVar:

ClinVar aggregate classification (germline): Uncertain significance. Review status: criteria provided, multiple submitters, no conflicts (2 of 4 stars). 2 submissions from 2 submitters: Uncertain significance (2). Last evaluated 2025-09-23.

gnomAD v4.1: 40 of 1,611,120 alleles (0.0025%); highest among the groups gnomAD compares: South Asian, 0.026%; no homozygotes.

Submissions (2):

Labcorp Genetics (formerly Invitae), Labcorp
Classification: Uncertain significance. Last evaluated: 2025-09-23. Review status: criteria provided, single submitter. Criteria: Invitae Variant Classification Sherloc (09022015). Collection method: clinical testing. Allele origin: germline.
Comment: This sequence change replaces arginine, which is basic and polar, with tryptophan, which is neutral and slightly polar, at codon 489 of the ASXL1 protein (p.Arg489Trp). This variant is present in population databases (rs142172134, gnomAD 0.02%). This variant has not been reported in the literature in individuals affected with ASXL1-related conditions. ClinVar contains an entry for this variant (Variation ID: 2152328). An algorithm developed to predict the effect of missense changes on protein structure and function (PolyPhen-2) suggests that this variant is likely to be disruptive. In summary, the available evidence is currently insufficient to determine the role of this variant in disease. Therefore, it has been classified as a Variant of Uncertain Significance.

GeneDx
Classification: Uncertain significance. Last evaluated: 2024-05-29. Review status: criteria provided, single submitter. Criteria: GeneDx Variant Classification Process June 2021. Collection method: clinical testing. Allele origin: germline. Affected: yes.
Comment: In silico analysis supports that this missense variant has a deleterious effect on protein structure/function; Missense variant in a gene in which most reported pathogenic variants are truncating/loss of function; This variant is associated with the following publications: (PMID: 29146883, 35982160, 35982159, 31785789)

NM_015338.6(ASXL1):c.1465C>T (p.Arg489Trp)

Gene: ASXL1 (ASXL transcriptional regulator 1; plus strand). Cytogenetic location: 20q11.21.
Variant type: single nucleotide variant.
Coding change: c.1465C>T on transcript NM_015338.6 (MANE Select); coding-DNA position 1465, C replaced by T.
Protein change: p.Arg489Trp; replaces arginine 489 with tryptophan.
Molecular consequence: missense variant.
Genome position (GRCh38, 1-based): chr20:32,433,663, C>T. VCF-style: chr20-32433663-C-T. GRCh37 (hg19) VCF-style: chr20-31021466-C-T.
Other names: c.1282C>T, p.Arg428Trp (NM_001363734.1); short protein forms R489W, R428W.
Identifiers: ClinVar variation 2152328 (VCV002152328.5), dbSNP rs142172134, ClinGen allele CA9808358.